The following is an entry in ClinVar:

NM_016592.5(GNAS):c.448C>T (p.Pro150Ser)

Genes: GNAS (GNAS complex locus; plus strand), GNAS-AS1 (GNAS antisense RNA 1; minus strand). Cytogenetic location: 20q13.32.
Variant type: single nucleotide variant.
Coding change: c.448C>T on transcript NM_016592.5 (MANE Plus Clinical); coding-DNA position 448, C replaced by T.
Protein change: p.Pro150Ser; replaces proline 150 with serine.
Molecular consequence: missense variant. On other transcripts: 5 prime UTR variant (1).
Genome position (GRCh38, 1-based): chr20:58,840,554, C>T. VCF-style: chr20-58840554-C-T. GRCh37 (hg19) VCF-style: chr20-57415609-C-T.
Other names: c.-290C>T (NM_001410912.1); short protein forms P150S.
Identifiers: ClinVar variation 4998168 (VCV004998168.1).

ClinVar aggregate classification (germline): Uncertain significance (1 of 4 stars; one submission).

Conditions:
GNAS-related disorder. Identifiers: MedGen CN380105.

Submission:

PreventionGenetics, part of Exact Sciences
Classification: Uncertain significance for GNAS-related condition. Last evaluated: 2025-01-08. Review status: criteria provided, single submitter. Criteria: ACMG Guidelines, 2015. Collection method: clinical testing. Allele origin: germline.
Comment: The GNAS c.448C>T variant is predicted to result in the amino acid substitution p.Pro150Ser. To our knowledge, this variant has not been reported in the literature or in a large population database (gnomAD), indicating this variant is rare. At this time, the clinical significance of this variant is uncertain due to the absence of conclusive functional and genetic evidence.